The following is an entry in ClinVar:

ClinVar aggregate classification (germline): Uncertain significance (1 of 4 stars; one submission).

Submission:

Labcorp Genetics (formerly Invitae), Labcorp
Classification: Uncertain significance. Last evaluated: 2024-06-22. Review status: criteria provided, single submitter. Criteria: Invitae Variant Classification Sherloc (09022015). Collection method: clinical testing. Allele origin: germline.
Comment: This sequence change replaces threonine, which is neutral and polar, with isoleucine, which is neutral and non-polar, at codon 417 of the CSNK1G1 protein (p.Thr417Ile). This variant is not present in population databases (gnomAD no frequency). This variant has not been reported in the literature in individuals affected with CSNK1G1-related conditions. An algorithm developed to predict the effect of missense changes on protein structure and function (PolyPhen-2) suggests that this variant is likely to be tolerated. In summary, the available evidence is currently insufficient to determine the role of this variant in disease. Therefore, it has been classified as a Variant of Uncertain Significance.

NM_022048.5(CSNK1G1):c.1250C>T (p.Thr417Ile)

Gene: CSNK1G1 (casein kinase 1 gamma 1; minus strand). Cytogenetic location: 15q22.31.
Variant type: single nucleotide variant.
Coding change: c.1250C>T on transcript NM_022048.5 (MANE Select); coding-DNA position 1250, C replaced by T.
Protein change: p.Thr417Ile; replaces threonine 417 with isoleucine.
Molecular consequence: missense variant. On other transcripts: intron variant (2).
Genome position (GRCh38, 1-based): chr15:64,171,950, G>A on the plus strand (C>T on the coding strand, the complement: CSNK1G1 is on the minus strand). VCF-style: chr15-64171950-G-A. GRCh37 (hg19) VCF-style: chr15-64464149-G-A.
Other names: c.1250C>T, p.Thr417Ile (NM_001329606.2); c.1215-5870C>T (NM_001329607.2); c.1326-5870C>T (NM_001329605.2); short protein forms T417I.
Identifiers: ClinVar variation 3700286 (VCV003700286.2).
Genomic context (GRCh38, chr15:64,171,950, plus strand): 5'-GTCAGAGTCCCCAGGGCCTGAGGACTCCTGGGAGGCACTGGTCACTTGTGGCGCTGAGCA[G>A]TCTTCTTCCTTTTCCTCTTAAAGAAACAGCAGCACCTGGAGCACAAGGAACATTGCAAGT-3'
Protein context (NP_071331.2, residues 407-422): CCFFKRKRKK[Thr417Ile]AQRHK